The following is an entry in ClinVar:

ClinVar aggregate classification (germline): Uncertain significance (1 of 4 stars; one submission).

Conditions:
Hajdu-Cheney syndrome (HJCYS). Also called: ACROOSTEOLYSIS WITH OSTEOPOROSIS AND CHANGES IN SKULL AND MANDIBLE; SERPENTINE FIBULA-POLYCYSTIC KIDNEY SYNDROME; Acroosteolysis dominant type. Identifiers: Orphanet 955, MedGen C0917715, MONDO:0007057, OMIM 102500.

Submission:

Labcorp Genetics (formerly Invitae), Labcorp
Classification: Uncertain significance for Hajdu-Cheney syndrome. Last evaluated: 2024-05-14. Review status: criteria provided, single submitter. Criteria: Invitae Variant Classification Sherloc (09022015). Collection method: clinical testing. Allele origin: germline.
Comment: This sequence change replaces proline, which is neutral and non-polar, with leucine, which is neutral and non-polar, at codon 2192 of the NOTCH2 protein (p.Pro2192Leu). This variant is not present in population databases (gnomAD no frequency). This variant has not been reported in the literature in individuals affected with NOTCH2-related conditions. Advanced modeling of protein sequence and biophysical properties (such as structural, functional, and spatial information, amino acid conservation, physicochemical variation, residue mobility, and thermodynamic stability) performed at Invitae indicates that this missense variant is not expected to disrupt NOTCH2 protein function with a negative predictive value of 95%. In summary, the available evidence is currently insufficient to determine the role of this variant in disease. Therefore, it has been classified as a Variant of Uncertain Significance.

NM_024408.4(NOTCH2):c.6575C>T (p.Pro2192Leu)

Gene: NOTCH2 (notch receptor 2; minus strand). Cytogenetic location: 1p12.
Variant type: single nucleotide variant.
Coding change: c.6575C>T on transcript NM_024408.4 (MANE Select); coding-DNA position 6575, C replaced by T.
Protein change: p.Pro2192Leu; replaces proline 2192 with leucine.
Molecular consequence: missense variant.
Genome position (GRCh38, 1-based): chr1:119,916,147, G>A on the plus strand (C>T on the coding strand, the complement: NOTCH2 is on the minus strand). VCF-style: chr1-119916147-G-A. GRCh37 (hg19) VCF-style: chr1-120458770-G-A.
Other names: short protein forms P2192L.
Identifiers: ClinVar variation 2794824 (VCV002794824.3), dbSNP rs2101143655, ClinGen allele CA341877480.